The following is an entry in ClinVar:

ClinVar aggregate classification (germline): Uncertain significance (1 of 4 stars; one submission).

gnomAD v4.1: 5 of 1,614,226 alleles (0.00031%); highest among the groups gnomAD compares: South Asian, 0.0022%; no homozygotes.

Submission:

Labcorp Genetics (formerly Invitae), Labcorp
Classification: Uncertain significance. Last evaluated: 2025-09-16. Review status: criteria provided, single submitter. Criteria: Invitae Variant Classification Sherloc (09022015). Collection method: clinical testing. Allele origin: germline.
Comment: This sequence change replaces serine, which is neutral and polar, with leucine, which is neutral and non-polar, at codon 286 of the ATP4A protein (p.Ser286Leu). This variant is present in population databases (rs778682745, gnomAD 0.006%). This variant has not been reported in the literature in individuals affected with ATP4A-related conditions. Invitae Evidence Modeling of protein sequence and biophysical properties (such as structural, functional, and spatial information, amino acid conservation, physicochemical variation, residue mobility, and thermodynamic stability) has been performed for this missense variant. However, the output from this modeling did not meet the statistical confidence thresholds required to predict the impact of this variant on ATP4A protein function. In summary, the available evidence is currently insufficient to determine the role of this variant in disease. Therefore, it has been classified as a Variant of Uncertain Significance.

NM_000704.3(ATP4A):c.857C>T (p.Ser286Leu)

Gene: ATP4A (ATPase H+/K+ transporting subunit alpha; minus strand). Cytogenetic location: 19q13.12.
Variant type: single nucleotide variant.
Coding change: c.857C>T on transcript NM_000704.3 (MANE Select); coding-DNA position 857, C replaced by T.
Protein change: p.Ser286Leu; replaces serine 286 with leucine.
Molecular consequence: missense variant.
Genome position (GRCh38, 1-based): chr19:35,560,004, G>A on the plus strand (C>T on the coding strand, the complement: ATP4A is on the minus strand). VCF-style: chr19-35560004-G-A. GRCh37 (hg19) VCF-style: chr19-36050906-G-A.
Other names: short protein forms S286L.
Identifiers: ClinVar variation 4735589 (VCV004735589.1).